The following is an entry in ClinVar:

NM_017637.6(BNC2):c.1148A>G (p.Asn383Ser)

Gene: BNC2 (basonuclin zinc finger protein 2; minus strand). Cytogenetic location: 9p22.3.
Variant type: single nucleotide variant.
Coding change: c.1148A>G on transcript NM_017637.6 (MANE Select); coding-DNA position 1148, A replaced by G.
Protein change: p.Asn383Ser; replaces asparagine 383 with serine.
Molecular consequence: missense variant.
Genome position (GRCh38, 1-based): chr9:16,437,046, T>C on the plus strand (A>G on the coding strand, the complement: BNC2 is on the minus strand). VCF-style: chr9-16437046-T-C. GRCh37 (hg19) VCF-style: chr9-16437044-T-C.
Other names: c.1022A>G, p.Asn341Ser (NM_001317939.2); c.863A>G, p.Asn288Ser (NM_001317940.2); short protein forms N288S, N341S, N383S.
Identifiers: ClinVar variation 3716317 (VCV003716317.2).

ClinVar aggregate classification (germline): Uncertain significance (1 of 4 stars; one submission).

gnomAD v4.1: 13 of 1,613,950 alleles (0.00081%); highest among the groups gnomAD compares: African/African-American, 0.0093%; no homozygotes.

Submission:

Labcorp Genetics (formerly Invitae), Labcorp
Classification: Uncertain significance. Last evaluated: 2024-09-04. Review status: criteria provided, single submitter. Criteria: Invitae Variant Classification Sherloc (09022015). Collection method: clinical testing. Allele origin: germline.
Comment: This sequence change replaces asparagine, which is neutral and polar, with serine, which is neutral and polar, at codon 383 of the BNC2 protein (p.Asn383Ser). This variant is present in population databases (rs140889479, gnomAD 0.007%). This variant has not been reported in the literature in individuals affected with BNC2-related conditions. An algorithm developed to predict the effect of missense changes on protein structure and function (PolyPhen-2) suggests that this variant is likely to be tolerated. In summary, the available evidence is currently insufficient to determine the role of this variant in disease. Therefore, it has been classified as a Variant of Uncertain Significance.